The following is an entry in ClinVar:

ClinVar aggregate classification (germline): Uncertain significance (1 of 4 stars; one submission).

Conditions:
Ataxia-telangiectasia syndrome (AT). Also called: Ataxia-telangiectasia, complementation group E; Ataxia-telangiectasia; ATAXIA-TELANGIECTASIA, COMPLEMENTATION GROUP A; Ataxia-telangiectasia, complementation group D; Ataxia telangiectasia (A-T); LOUIS-BAR SYNDROME. Identifiers: Orphanet 100, MedGen C0004135, MONDO:0008840, OMIM 208900.

Submission:

Labcorp Genetics (formerly Invitae), Labcorp
Classification: Uncertain significance for Ataxia-telangiectasia syndrome. Last evaluated: 2022-06-11. Review status: criteria provided, single submitter. Criteria: Invitae Variant Classification Sherloc (09022015). Collection method: clinical testing. Allele origin: germline.
Comment: This sequence change falls in intron 7 of the ATM gene. It does not directly change the encoded amino acid sequence of the ATM protein. It affects a nucleotide within the consensus splice site. This variant is not present in population databases (gnomAD no frequency). In summary, the available evidence is currently insufficient to determine the role of this variant in disease. Therefore, it has been classified as a Variant of Uncertain Significance. Variants that disrupt the consensus splice site are a relatively common cause of aberrant splicing (PMID: 17576681, 9536098). Algorithms developed to predict the effect of sequence changes on RNA splicing suggest that this variant is not likely to affect RNA splicing. This variant has not been reported in the literature in individuals affected with ATM-related conditions.

Literature cited by the submitters: PubMed 17576681; PubMed 9536098.

NM_000051.4(ATM):c.901+4T>A

Gene: ATM (ATM serine/threonine kinase; plus strand). Cytogenetic location: 11q22.3.
Variant type: single nucleotide variant.
Coding change: c.901+4T>A on transcript NM_000051.4 (MANE Select); 4 bases into the intron after coding-DNA position 901, T replaced by A.
Molecular consequence: intron variant.
Genome position (GRCh38, 1-based): chr11:108,245,030, T>A. VCF-style: chr11-108245030-T-A. GRCh37 (hg19) VCF-style: chr11-108115757-T-A.
Other names: c.901+4T>A (NM_001351834.2).
Identifiers: ClinVar variation 2004661 (VCV002004661.4), dbSNP rs1591504958, ClinGen allele CA2580082988.